The following is an entry in ClinVar:

ClinVar aggregate classification (germline): Conflicting classifications of pathogenicity. Review status: criteria provided, conflicting classifications (1 of 4 stars). 4 submissions from 4 submitters: Likely pathogenic (2); Uncertain significance (1). 1 of the submissions does not count toward it. Last evaluated 2024-10-09.

Conditions:
Alport syndrome. Also called: Hemorrhagic familial nephritis; Hemorrhagic hereditary nephritis; Congenital hereditary hematuria. Identifiers: Orphanet 63, MedGen C1567741, MONDO:0018965.
Autosomal dominant Alport syndrome (ATS3A). Also called: ALPORT SYNDROME 3A, AUTOSOMAL DOMINANT; Alport syndrome dominant type; Renal failure and sensorineural hearing loss. Identifiers: Orphanet 63, Orphanet 88918, MedGen C5882663, MONDO:0007086, OMIM 104200.

Allele frequency attached by ClinVar (database versions not stated): gnomAD 0.00001; gnomAD exomes 0.00001; TOPMed 0.00001.
gnomAD v4.1: 14 of 1,614,040 alleles (0.00087%); highest among the groups gnomAD compares: East Asian, 0.0022%; no homozygotes.

Submissions (4):

Victorian Clinical Genetics Services, Murdoch Childrens Research Institute
Classification: Uncertain significance for Alport syndrome. Last evaluated: 2024-10-09. Review status: criteria provided, single submitter. Criteria: ACMG Guidelines, 2015. Collection method: clinical testing. Allele origin: germline. Affected: yes.
Comment: Based on the classification scheme VCGS_Germline_v1.3.4, this variant is classified as VUS-3A. Following criteria are met: 0103 - Dominant negative and loss of function are known mechanisms of disease in this gene and are associated with Alport syndrome (MONDO:0018965), COL4A3-related. Glycine changes that are part of a G-X-Y repeat in the triple helix of a collagen domain are known to have a dominant negative effect (PMID: 12028435). (I) 0108 - This gene is associated with both recessive (Alport syndrome 2 MIM#203780) and dominant disease (Alport syndrome 3 MIM#104200) (OMIM). (I) 0200 - Variant is predicted to result in a missense amino acid change from arginine to glutamine. (I) 0251 - This variant is heterozygous. (I) 0304 - Variant is present in gnomAD (v2) <0.01 (3 heterozygotes, 0 homozygotes). (SP) 0501 - Missense variant consistently predicted to be damaging by multiple in silico tools or highly conserved with a major amino acid change. (SP) 0600 - Variant is located in the annotated C-terminal tandem repeated domain in type 4 procollagen (DECIPHER). (I) 0705 - No comparable missense variants have previous evidence for pathogenicity. (I) 0809 - Previous evidence of pathogenicity for this variant is inconclusive. This variant has been classified as likely pathogenic and as a VUS in ClinVar. This variant has also been observed in a father and child with hearing loss and no sign of altered kidney function (PMID: 34440452), and in an individual with familial FSGS and hearing loss; however, they also harboured two in trans COL4A4 variants, one of which was a stopgain variant (PMID: 33532864). (SP) 1007 - No published functional evidence has been identified for this variant. (I) 1208 - Inheritance information for this variant is not currently available in this individual. (I) Legend: (SP) - Supporting pathogenic, (I) - Information, (SB) - Supporting benign

Center of Genomic medicine, Geneva, University Hospital of Geneva
Classification: Likely pathogenic for Autosomal dominant Alport syndrome. Last evaluated: 2021-02-09. Review status: criteria provided, single submitter. Criteria: ACMG Guidelines, 2015. Collection method: clinical testing. Allele origin: paternal. Affected: yes. Observed: 1 variant allele.

Molecular Biology Laboratory, Fundació Puigvert
Classification: Likely pathogenic for Autosomal dominant Alport syndrome. Last evaluated: 2020-02-01. Review status: criteria provided, single submitter. Criteria: ACMG Guidelines, 2015. Collection method: research. Allele origin: maternal. Affected: yes. Study: KidneyPanel_2020.

Bioscientia Institut fuer Medizinische Diagnostik GmbH, Sonic Healthcare
Classification: Uncertain significance for Autosomal dominant Alport syndrome. Last evaluated: 2019-06-03. Review status: no assertion criteria provided. Collection method: clinical testing. Allele origin: germline. Affected: yes. Not counted in ClinVar's aggregate classification.

Literature cited by the submitters: PubMed 12028435 (cited by Victorian Clinical Genetics Services, Murdoch Childrens Research Institute); PubMed 33532864 (cited by Victorian Clinical Genetics Services, Murdoch Childrens Research Institute and Molecular Biology Laboratory, Fundació Puigvert); PubMed 34440452 (cited by Victorian Clinical Genetics Services, Murdoch Childrens Research Institute).

NM_000091.5(COL4A3):c.4826G>A (p.Arg1609Gln)

Genes: MFF-DT (MFF divergent transcript; minus strand), COL4A3 (collagen type IV alpha 3 chain; plus strand). Cytogenetic location: 2q36.3.
Variant type: single nucleotide variant.
Coding change: c.4826G>A on transcript NM_000091.5 (MANE Select); coding-DNA position 4826, G replaced by A.
Protein change: p.Arg1609Gln; replaces arginine 1609 with glutamine.
Molecular consequence: missense variant.
Genome position (GRCh38, 1-based): chr2:227,310,846, G>A. VCF-style: chr2-227310846-G-A. GRCh37 (hg19) VCF-style: chr2-228175562-G-A.
Other names: short protein forms R1609Q.
Identifiers: ClinVar variation 829856 (VCV000829856.8), dbSNP rs1380878336, ClinGen allele CA350866161.